The following is an entry in ClinVar:

NM_001195518.2(MICU1):c.653-92T>C

Gene: MICU1 (mitochondrial calcium uptake 1; minus strand). Cytogenetic location: 10q22.1.
Variant type: single nucleotide variant.
Coding change: c.653-92T>C on transcript NM_001195518.2 (MANE Select); 92 bases into the intron before coding-DNA position 653, T replaced by C.
Molecular consequence: intron variant.
Genome position (GRCh38, 1-based): chr10:72,477,348, A>G on the plus strand (T>C on the coding strand, the complement: MICU1 is on the minus strand). VCF-style: chr10-72477348-A-G. GRCh37 (hg19) VCF-style: chr10-74237106-A-G.
Other names: c.659-92T>C (NM_006077.4); c.671-92T>C (NM_001363513.2); c.59-92T>C (NM_001195519.2).
Identifiers: ClinVar variation 677741 (VCV000677741.2), dbSNP rs116565895, ClinGen allele CA209796231.
Genomic context (GRCh38, chr10:72,477,348, plus strand): 5'-GCATTGACCAAAAATAAATCCCTTTTTAAAGAAAAACAAAAGGCTAAACACTAAAATGTA[A>G]TATCAAAGTCACCATAAAAGTGACTGAGTCAAAGTCTCAATAAATGGAAAATGAAACTGC-3'

ClinVar aggregate classification (germline): Likely benign. Review status: criteria provided, multiple submitters, no conflicts (2 of 4 stars). 2 submissions from 2 submitters: Likely benign (2). Last evaluated 2018-06-16.

Allele frequency attached by ClinVar (database versions not stated): gnomAD exomes 0.00096; 1000 Genomes Project 30x 0.00953; 1000 Genomes Project 0.00958; gnomAD 0.01143 and 0.01232; TOPMed 0.01297.
gnomAD v4.1: 2,801 of 1,191,894 alleles (0.24%); highest among the groups gnomAD compares: African/African-American, 4%; 55 homozygotes.

Submissions (2):

GeneDx
Classification: Likely benign. Last evaluated: 2018-06-16. Review status: criteria provided, single submitter. Criteria: GeneDx Variant Classification (06012015). Collection method: clinical testing. Allele origin: germline. Affected: yes.
Comment: This variant is considered likely benign or benign based on one or more of the following criteria: it is a conservative change, it occurs at a poorly conserved position in the protein, it is predicted to be benign by multiple in silico algorithms, and/or has population frequency not consistent with disease.

Breakthrough Genomics
Classification: Likely benign. Review status: criteria provided, single submitter. Criteria: ACMG Guidelines, 2015. Collection method: not provided. Allele origin: germline. Inheritance: Autosomal recessive inheritance. Affected: yes.